The following is an entry in ClinVar:

NM_000292.3(PHKA2):c.1794-8_1794-6del

Gene: PHKA2 (phosphorylase kinase regulatory subunit alpha 2; minus strand). Cytogenetic location: Xp22.13.
Variant type: Microsatellite.
Coding change: c.1794-8_1794-6del on transcript NM_000292.3 (MANE Select); 8 bases into the intron before coding-DNA position 1794 through 6 bases into the intron before coding-DNA position 1794, 3 bases deleted (CTT; older notation c.1794-8_1794-6delCTT).
Molecular consequence: intron variant.
Genome position (GRCh38, 1-based): chrX:18,920,207-18,920,209, AAG deleted on the plus strand (CTT on the coding strand, the reverse complement: PHKA2 is on the minus strand); deleting any 3 consecutive bases within chrX:18,920,207-18,920,213 gives the same sequence; the c. name uses the placement nearest the transcript's 3' end. VCF-style (leftmost placement, unchanged base first): chrX-18920206-CAAG-C. GRCh37 (hg19) VCF-style: chrX-18938324-CAAG-C.
Identifiers: ClinVar variation 2028107 (VCV002028107.5), dbSNP rs2518671948, ClinGen allele CA2580615400.

ClinVar aggregate classification (germline): Uncertain significance. Review status: criteria provided, multiple submitters, no conflicts (2 of 4 stars). 2 submissions from 2 submitters: Uncertain significance (2). Last evaluated 2026-02-26.

Conditions:
Glycogen storage disease. Also called: Disorder of glycogen metabolism; glycogen storage disorder. Identifiers: Orphanet 79201, MedGen C0017919, MONDO:0002412.
Glycogen storage disease IXa1. Also called: LIVER GLYCOGENOSIS, X-LINKED, TYPE I; GLYCOGEN STORAGE DISEASE VIII; GSD VIII; Glycogen storage disease 8. Identifiers: Orphanet 264580, MedGen C3694531, MONDO:0010598, OMIM 306000.

Submissions (2):

Genetics Laboratory, Great Ormond Street Hospital NHS Foundation Trust, North Thames Genomic Laboratory Hub
Classification: Uncertain significance for Glycogen storage disease. Last evaluated: 2026-02-26. Review status: criteria provided, single submitter. Criteria: ACGS Best Practice Guidelines for Variant Classification in Rare Disease 2024 v1.2. Collection method: clinical testing. Allele origin: germline. Affected: yes.
Comment: PM2_moderate, PP3_supporting, PP4_moderate

Labcorp Genetics (formerly Invitae), Labcorp
Classification: Uncertain significance for Glycogen storage disease IXa1. Last evaluated: 2025-03-13. Review status: criteria provided, single submitter. Criteria: Invitae Variant Classification Sherloc (09022015). Collection method: clinical testing. Allele origin: germline.
Comment: This sequence change falls in intron 17 of the PHKA2 gene. It does not directly change the encoded amino acid sequence of the PHKA2 protein. This variant is not present in population databases (gnomAD no frequency). This variant has been observed in individual(s) with glycogen storage disease (internal data). Algorithms developed to predict the effect of sequence changes on RNA splicing suggest that this variant may disrupt the consensus splice site. In summary, the available evidence is currently insufficient to determine the role of this variant in disease. Therefore, it has been classified as a Variant of Uncertain Significance.